The following is an entry in ClinVar:

ClinVar aggregate classification (germline): Uncertain significance. Review status: criteria provided, multiple submitters, no conflicts (2 of 4 stars). 2 submissions from 2 submitters: Uncertain significance (2). Last evaluated 2024-04-15.

Conditions:
Inborn genetic diseases. Identifiers: MedGen C0950123, MeSH D030342.

Allele frequency attached by ClinVar (database versions not stated): gnomAD exomes below 0.00001.
gnomAD v4.1: 3 of 1,613,510 alleles (0.00019%); highest among the groups gnomAD compares: Non-Finnish European, 0.00025%; no homozygotes.

Submissions (2):

Ambry Genetics
Classification: Uncertain significance for Inborn genetic diseases. Last evaluated: 2024-04-15. Review status: criteria provided, single submitter. Criteria: Ambry Variant Classification Scheme 2023. Collection method: clinical testing. Allele origin: germline.

Labcorp Genetics (formerly Invitae), Labcorp
Classification: Uncertain significance. Last evaluated: 2022-07-05. Review status: criteria provided, single submitter. Criteria: Invitae Variant Classification Sherloc (09022015). Collection method: clinical testing. Allele origin: germline.
Comment: In summary, the available evidence is currently insufficient to determine the role of this variant in disease. Therefore, it has been classified as a Variant of Uncertain Significance. Algorithms developed to predict the effect of missense changes on protein structure and function output the following: SIFT: "Tolerated"; PolyPhen-2: "Benign"; Align-GVGD: "Class C0". The methionine amino acid residue is found in multiple mammalian species, which suggests that this missense change does not adversely affect protein function. ClinVar contains an entry for this variant (Variation ID: 1427688). This variant has not been reported in the literature in individuals affected with CEP152-related conditions. This variant is not present in population databases (gnomAD no frequency). This sequence change replaces valine, which is neutral and non-polar, with methionine, which is neutral and non-polar, at codon 1328 of the CEP152 protein (p.Val1328Met).

NM_001194998.2(CEP152):c.4150G>A (p.Val1384Met)

Gene: CEP152 (centrosomal protein 152; minus strand). Cytogenetic location: 15q21.1.
Variant type: single nucleotide variant.
Coding change: c.4150G>A on transcript NM_001194998.2 (MANE Select); coding-DNA position 4150, G replaced by A.
Protein change: p.Val1384Met; replaces valine 1384 with methionine.
Molecular consequence: missense variant.
Genome position (GRCh38, 1-based): chr15:48,739,232, C>T on the plus strand (G>A on the coding strand, the complement: CEP152 is on the minus strand). VCF-style: chr15-48739232-C-T. GRCh37 (hg19) VCF-style: chr15-49031429-C-T.
Other names: c.3982G>A, p.Val1328Met (NM_014985.4); c.3982G>A (NM_014985.3); short protein forms V1328M, V1384M.
Identifiers: ClinVar variation 1427688 (VCV001427688.6), dbSNP rs2140547036, ClinGen allele CA392336318.
Genomic context (GRCh38, chr15:48,739,232, plus strand): 5'-TGGTGATGGTGTTTACACTATTTGATTTGCTTTCAATACAACATGGTATTTTCTGATTCA[C>T]ATCATTTCTTTTTGATTTTTTAACTGCAATCAGCATCTCTGAAGTTAGGGGCAGTGCTAT-3'
Protein context (NP_001181927.1, residues 1374-1394): IAVKKSKRND[Val1384Met]NQKIPCCIES